The following is an entry in ClinVar:

NM_206933.4(USH2A):c.6701C>A (p.Ala2234Asp)

Gene: USH2A (usherin; minus strand). Cytogenetic location: 1q41.
Variant type: single nucleotide variant.
Coding change: c.6701C>A on transcript NM_206933.4 (MANE Select); coding-DNA position 6701, C replaced by A.
Protein change: p.Ala2234Asp; replaces alanine 2234 with aspartic acid.
Molecular consequence: missense variant.
Genome position (GRCh38, 1-based): chr1:215,993,124, G>T on the plus strand (C>A on the coding strand, the complement: USH2A is on the minus strand). VCF-style: chr1-215993124-G-T. GRCh37 (hg19) VCF-style: chr1-216166466-G-T.
Other names: short protein forms A2234D.
Identifiers: ClinVar variation 941788 (VCV000941788.6), dbSNP rs1249318716, ClinGen allele CA344860496.

ClinVar aggregate classification (germline): Uncertain significance (1 of 4 stars; one submission).

Submission:

Labcorp Genetics (formerly Invitae), Labcorp
Classification: Uncertain significance. Last evaluated: 2022-02-03. Review status: criteria provided, single submitter. Criteria: Invitae Variant Classification Sherloc (09022015). Collection method: clinical testing. Allele origin: germline.
Comment: This sequence change replaces alanine, which is neutral and non-polar, with aspartic acid, which is acidic and polar, at codon 2234 of the USH2A protein (p.Ala2234Asp). This variant is not present in population databases (gnomAD no frequency). This variant has not been reported in the literature in individuals affected with USH2A-related conditions. ClinVar contains an entry for this variant (Variation ID: 941788). Algorithms developed to predict the effect of missense changes on protein structure and function (SIFT, PolyPhen-2, Align-GVGD) all suggest that this variant is likely to be disruptive. In summary, the available evidence is currently insufficient to determine the role of this variant in disease. Therefore, it has been classified as a Variant of Uncertain Significance.